The following is an entry in ClinVar:

ClinVar aggregate classification (germline): Conflicting classifications of pathogenicity. Review status: criteria provided, conflicting classifications (1 of 4 stars). 5 submissions from 5 submitters: Uncertain significance (4); Likely benign (1). Last evaluated 2026-02-02.

Conditions:
Hereditary cancer-predisposing syndrome. Also called: Neoplastic Syndromes, Hereditary; Tumor predisposition; Hereditary Cancer Syndrome; Hereditary neoplastic syndrome. Identifiers: Orphanet 140162, MedGen C0027672, MeSH D009386, MONDO:0015356.
BAP1-related tumor predisposition syndrome (TPDS1). Also called: Tumor susceptibility linked to germline BAP1 mutations; BAP1 tumor predisposition syndrome; COMMON Syndrome; TUMOR PREDISPOSITION SYNDROME 1. Identifiers: Orphanet 289539, MedGen C3280492, MONDO:0013692, OMIM 614327.

Allele frequency attached by ClinVar (database versions not stated): TOPMed below 0.00001; gnomAD exomes 0.00001; ExAC 0.00002.
gnomAD v4.1: 23 of 1,614,002 alleles (0.0014%); highest among the groups gnomAD compares: Non-Finnish European, 0.0019%; no homozygotes.

Submissions (5):

Labcorp Genetics (formerly Invitae), Labcorp
Classification: Uncertain significance for BAP1-related tumor predisposition syndrome. Last evaluated: 2026-02-02. Review status: criteria provided, single submitter. Criteria: Invitae Variant Classification Sherloc (09022015). Collection method: clinical testing. Allele origin: germline.
Comment: This sequence change replaces proline, which is neutral and non-polar, with threonine, which is neutral and polar, at codon 555 of the BAP1 protein (p.Pro555Thr). This variant is present in population databases (rs753264498, gnomAD 0.002%). This variant has not been reported in the literature in individuals affected with BAP1-related conditions. ClinVar contains an entry for this variant (Variation ID: 485256). Invitae Evidence Modeling of protein sequence and biophysical properties (such as structural, functional, and spatial information, amino acid conservation, physicochemical variation, residue mobility, and thermodynamic stability) indicates that this missense variant is not expected to disrupt BAP1 protein function with a negative predictive value of 80%. In summary, the available evidence is currently insufficient to determine the role of this variant in disease. Therefore, it has been classified as a Variant of Uncertain Significance.

Center for Genomic Medicine, Rigshospitalet, Copenhagen University Hospital
Classification: Uncertain significance. Last evaluated: 2025-12-29. Review status: criteria provided, single submitter. Criteria: ACMG Guidelines, 2015. Collection method: clinical testing. Allele origin: germline.

Myriad Genetics, Inc.
Classification: Likely benign for BAP1-related tumor predisposition syndrome. Last evaluated: 2024-07-16. Review status: criteria provided, single submitter. Criteria: Myriad Autosomal Dominant, Autosomal Recessive and X-Linked Classification Criteria (2023). Collection method: clinical testing. Allele origin: unknown.
Comment: This variant is considered likely benign. This variant has been observed at a population frequency that is significantly greater than expected given the associated disease prevalence and penetrance.

Ambry Genetics
Classification: Uncertain significance for Hereditary cancer-predisposing syndrome. Last evaluated: 2024-06-11. Review status: criteria provided, single submitter. Criteria: Ambry Variant Classification Scheme 2023. Collection method: clinical testing. Allele origin: germline.
Comment: The p.P555T variant (also known as c.1663C>A), located in coding exon 13 of the BAP1 gene, results from a C to A substitution at nucleotide position 1663. The proline at codon 555 is replaced by threonine, an amino acid with highly similar properties. This amino acid position is well conserved in available vertebrate species. In addition, this alteration is predicted to be tolerated by in silico analysis. Based on the available evidence, the clinical significance of this variant remains unclear.

Color Diagnostics, LLC DBA Color Health
Classification: Uncertain significance for Hereditary cancer-predisposing syndrome. Last evaluated: 2024-03-06. Review status: criteria provided, single submitter. Criteria: ACMG Guidelines, 2015. Collection method: clinical testing. Allele origin: germline.
Comment: This missense variant replaces proline with threonine at codon 555 of the BAP1 protein. Computational prediction suggests that this variant may not impact protein structure and function (internally defined REVEL score threshold <= 0.5, PMID: 27666373). Splice site prediction tools suggest that this variant may not impact RNA splicing. To our knowledge, functional studies have not been performed for this variant. This variant has not been reported in individuals affected with hereditary cancer in the literature. This variant has been identified in 2/251044 chromosomes in the general population by the Genome Aggregation Database (gnomAD). The available evidence is insufficient to determine the role of this variant in disease conclusively. Therefore, this variant is classified as a Variant of Uncertain Significance.

NM_004656.4(BAP1):c.1663C>A (p.Pro555Thr)

Gene: BAP1 (BRCA1 associated deubiquitinase 1; minus strand). Cytogenetic location: 3p21.1.
Variant type: single nucleotide variant.
Coding change: c.1663C>A on transcript NM_004656.4 (MANE Select); coding-DNA position 1663, C replaced by A.
Protein change: p.Pro555Thr; replaces proline 555 with threonine.
Molecular consequence: missense variant.
Genome position (GRCh38, 1-based): chr3:52,403,482, G>T on the plus strand (C>A on the coding strand, the complement: BAP1 is on the minus strand). VCF-style: chr3-52403482-G-T. GRCh37 (hg19) VCF-style: chr3-52437498-G-T.
Other names: c.1663C>A (LRG_529t1); short protein forms P555T.
Identifiers: ClinVar variation 485256 (VCV000485256.30), dbSNP rs753264498, ClinGen allele CA2436759.